The following is an entry in ClinVar:

ClinVar aggregate classification (germline): Uncertain significance (1 of 4 stars; one submission).

Conditions:
Cardiovascular phenotype. Identifiers: MedGen CN230736.

Allele frequency attached by ClinVar (database versions not stated): gnomAD exomes below 0.00001; gnomAD 0.00001; TOPMed 0.00001; ExAC 0.00002.
gnomAD v4.1: 9 of 1,614,092 alleles (0.00056%); highest among the groups gnomAD compares: East Asian, 0.018%; no homozygotes.

Submission:

Ambry Genetics
Classification: Uncertain significance for Cardiovascular phenotype. Last evaluated: 2023-12-06. Review status: criteria provided, single submitter. Criteria: Ambry Variant Classification Scheme 2023. Collection method: clinical testing. Allele origin: germline.
Comment: The c.1884A>G (p.K628K) alteration is located in coding exon 12 of the ABCG8 gene. This alteration consists of an A to G substitution at nucleotide position 1884. This nucleotide substitution does not change the amino acid at codon 628. Based on data from gnomAD, the G allele has an overall frequency of 0.002% (4/251482) total alleles studied. The highest observed frequency was 0.022% (4/18394) of East Asian alleles. This nucleotide position is not well conserved in available vertebrate species. In silico splice site analysis predicts that this alteration will not have any significant effect on splicing. Based on insufficient or conflicting evidence, the clinical significance of this alteration remains unclear.

NM_022437.3(ABCG8):c.1884A>G (p.Lys628=)

Gene: ABCG8 (ATP binding cassette subfamily G member 8; plus strand). Cytogenetic location: 2p21.
Variant type: single nucleotide variant.
Coding change: c.1884A>G on transcript NM_022437.3 (MANE Select); coding-DNA position 1884, A replaced by G.
Protein change: p.Lys628=; no amino-acid change (lysine 628 retained).
Molecular consequence: synonymous variant.
Genome position (GRCh38, 1-based): chr2:43,877,688, A>G. VCF-style: chr2-43877688-A-G. GRCh37 (hg19) VCF-style: chr2-44104827-A-G.
Other names: c.1881A>G, p.Lys627= (NM_001357321.2).
Identifiers: ClinVar variation 3129941 (VCV003129941.1), dbSNP rs774780757, ClinGen allele CA1637691.
Genomic context (GRCh38, chr2:43,877,688, plus strand): 5'-CAGCAGAAGAACTTATAAAATGCCTCTCGGGAACCTCACCATCGCGGTCTCAGGAGATAA[A>G]GTAAGCGGGGAAGGCCTCGGGTTCTAAATTATTGGACGTCCGGCTTTCCATCCTCCTCAT-3'
Protein context (NP_071882.1, residues 618-638): GNLTIAVSGD[Lys628=]ILSVMELDSY